The following is an entry in ClinVar:

NM_001291303.3(FAT4):c.7693G>T (p.Asp2565Tyr)

Gene: FAT4 (FAT atypical cadherin 4; plus strand). Cytogenetic location: 4q28.1.
Variant type: single nucleotide variant.
Coding change: c.7693G>T on transcript NM_001291303.3 (MANE Select); coding-DNA position 7693, G replaced by T.
Protein change: p.Asp2565Tyr; replaces aspartic acid 2565 with tyrosine.
Molecular consequence: missense variant.
Genome position (GRCh38, 1-based): chr4:125,448,703, G>T. VCF-style: chr4-125448703-G-T. GRCh37 (hg19) VCF-style: chr4-126369858-G-T.
Other names: c.7693G>T, p.Asp2565Tyr (NM_001291285.3); c.7687G>T, p.Asp2563Tyr (NM_024582.6); short protein forms D2563Y, D2565Y.
Identifiers: ClinVar variation 2800990 (VCV002800990.3), dbSNP rs755593093, ClinGen allele CA358141189.
Genomic context (GRCh38, chr4:125,448,703, plus strand): 5'-GGTGGCTCATTTCCAAAGACAGATTCTACAACAGTGACTGTTAGATTCGTGAATAAGGCC[G>T]ATTTCCCTAAAGTGAGAGCCAAAGAACAAACGTTCATGTTTCCTGAAAACCAACCAGTCA-3'
Protein context (NP_001278232.1, residues 2555-2575): TVTVRFVNKA[Asp2565Tyr]FPKVRAKEQT

ClinVar aggregate classification (germline): Uncertain significance (1 of 4 stars; one submission).

gnomAD v4.1: 1 of 1,613,854 alleles (0.000062%); highest among the groups gnomAD compares: Non-Finnish European, 0.000085%; no homozygotes.

Submission:

Labcorp Genetics (formerly Invitae), Labcorp
Classification: Uncertain significance. Last evaluated: 2023-11-18. Review status: criteria provided, single submitter. Criteria: Invitae Variant Classification Sherloc (09022015). Collection method: clinical testing. Allele origin: germline.
Comment: This sequence change replaces aspartic acid, which is acidic and polar, with tyrosine, which is neutral and polar, at codon 2563 of the FAT4 protein (p.Asp2563Tyr). This variant is not present in population databases (gnomAD no frequency). This variant has not been reported in the literature in individuals affected with FAT4-related conditions. Advanced modeling of protein sequence and biophysical properties (such as structural, functional, and spatial information, amino acid conservation, physicochemical variation, residue mobility, and thermodynamic stability) performed at Invitae indicates that this missense variant is not expected to disrupt FAT4 protein function with a negative predictive value of 95%. In summary, the available evidence is currently insufficient to determine the role of this variant in disease. Therefore, it has been classified as a Variant of Uncertain Significance.